The following is an entry in ClinVar:

ClinVar aggregate classification (germline): Benign (0 of 4 stars; one submission).

Conditions:
AMBN-related disorder. Also called: AMBN-related condition.

Submission:

PreventionGenetics, part of Exact Sciences
Classification: Benign for AMBN-related condition. Last evaluated: 2019-03-21. Review status: no assertion criteria provided. Collection method: clinical testing. Allele origin: germline.
Comment: This variant is classified as benign based on ACMG/AMP sequence variant interpretation guidelines (Richards et al. 2015 PMID: 25741868, with internal and published modifications).

NM_016519.6(AMBN):c.539_541del (p.Gly180del)

Gene: AMBN (ameloblastin; plus strand). Cytogenetic location: 4q13.3.
Variant type: Deletion.
Coding change: c.539_541del on transcript NM_016519.6 (MANE Select); coding-DNA positions 539 to 541, 3 bases deleted (GAG; older notation c.539_541delGAG).
Protein change: p.Gly180del; deletes glycine 180.
Genome position (GRCh38, 1-based): chr4:70,602,631-70,602,633, GAG deleted; deleting any 3 consecutive bases within chr4:70,602,629-70,602,633 gives the same sequence; the c. name uses the placement nearest the transcript's 3' end. VCF-style (leftmost placement, unchanged base first): chr4-70602628-CAGG-C. GRCh37 (hg19) VCF-style: chr4-71468345-CAGG-C.
Other names: short protein forms G180del.
Identifiers: ClinVar variation 3056626 (VCV003056626.2), dbSNP rs141384720, ClinGen allele CA2951386.
Genomic context (GRCh38, chr4:70,602,628, plus strand): 5'-TTTGTCTATTTTGTTTATTTTTTGACTGATAATTTTAATATTTATCTGTGATATAGCTCC[CAGG>C]AGTAGATTTTGCTGATCCACAAGGTCCATCAGTAAGTACAGATCTCAATGAGACACTTTC-3'